The following is an entry in ClinVar:

NM_002838.5(PTPRC):c.3257T>C (p.Ile1086Thr)

Gene: PTPRC (protein tyrosine phosphatase receptor type C; plus strand). Cytogenetic location: 1q32.1.
Variant type: single nucleotide variant.
Coding change: c.3257T>C on transcript NM_002838.5 (MANE Select); coding-DNA position 3257, T replaced by C.
Protein change: p.Ile1086Thr; replaces isoleucine 1086 with threonine.
Molecular consequence: missense variant.
Genome position (GRCh38, 1-based): chr1:198,752,298, T>C. VCF-style: chr1-198752298-T-C. GRCh37 (hg19) VCF-style: chr1-198721427-T-C.
Other names: c.2774T>C, p.Ile925Thr (NM_080921.4); c.3251T>C (NM_002838.3); short protein forms I1086T, I925T.
Identifiers: ClinVar variation 2189502 (VCV002189502.2), dbSNP rs766956245, ClinGen allele CA1315394.

ClinVar aggregate classification (germline): Uncertain significance. Review status: criteria provided, multiple submitters, no conflicts (2 of 4 stars). 2 submissions from 2 submitters: Uncertain significance (2). Last evaluated 2025-08-07.

Conditions:
Inborn genetic diseases. Identifiers: MedGen C0950123, MeSH D030342.
Immunodeficiency 104. Also called: Severe combined immunodeficiency, autosomal recessive, T cell-negative, B cell-positive, NK cell-positive; IMMUNODEFICIENCY 104, SEVERE COMBINED; SCID, AUTOSOMAL RECESSIVE, T CELL-NEGATIVE, B CELL-POSITIVE, NK CELL-POSITIVE; Severe Combined Immune Deficiency, Autosomal Recessive, TCell -Negative, B Cell-Positive, NK Cell-Positive, IL7R-Related. Identifiers: MedGen C5676890, MONDO:0012163, OMIM 608971.

Allele frequency attached by ClinVar (database versions not stated): ExAC 0.00002.
gnomAD v4.1: 17 of 1,611,800 alleles (0.0011%); highest among the groups gnomAD compares: East Asian, 0.0022%; no homozygotes.

Submissions (2):

Ambry Genetics
Classification: Uncertain significance for Inborn genetic diseases. Last evaluated: 2025-08-07. Review status: criteria provided, single submitter. Criteria: Ambry Variant Classification Scheme 2023. Collection method: clinical testing. Allele origin: germline.

Labcorp Genetics (formerly Invitae), Labcorp
Classification: Uncertain significance for Immunodeficiency 104. Last evaluated: 2022-03-06. Review status: criteria provided, single submitter. Criteria: Invitae Variant Classification Sherloc (09022015). Collection method: clinical testing. Allele origin: germline.
Comment: This sequence change replaces isoleucine, which is neutral and non-polar, with threonine, which is neutral and polar, at codon 1086 of the PTPRC protein (p.Ile1086Thr). This variant is present in population databases (rs766956245, gnomAD 0.005%). This variant has not been reported in the literature in individuals affected with PTPRC-related conditions. Algorithms developed to predict the effect of missense changes on protein structure and function are either unavailable or do not agree on the potential impact of this missense change (SIFT: "Deleterious"; PolyPhen-2: "Benign"; Align-GVGD: "Class C25"). In summary, the available evidence is currently insufficient to determine the role of this variant in disease. Therefore, it has been classified as a Variant of Uncertain Significance.